The following is an entry in ClinVar:

ClinVar aggregate classification (germline): Conflicting classifications of pathogenicity. Review status: criteria provided, conflicting classifications (1 of 4 stars). 9 submissions from 9 submitters: Uncertain significance (2); Benign (2); Likely benign (4). 1 of the submissions does not count toward it. Last evaluated 2026-04-08.

Conditions:
Cardiovascular phenotype. Identifiers: MedGen CN230736.
ZNF469-related disorder. Also called: ZNF469-related condition.
Ehlers-Danlos syndrome (EDS). Identifiers: Orphanet 98249, MedGen C0013720, MONDO:0020066.
Brittle cornea syndrome 1 (BCS1). Also called: CORNEAL FRAGILITY, KERATOGLOBUS, BLUE SCLERAE, JOINT HYPEREXTENSIBILITY; EDS6B; DYSGENESIS MESODERMALIS CORNEAE ET SCLERAE; FRAGILITAS OCULI WITH JOINT HYPEREXTENSIBILITY; Corneal fragility keratoglobus, blue sclerae AND joint hypermobility. Identifiers: Orphanet 90354, MedGen C0268344, MONDO:0024543, OMIM 229200.

Allele frequency attached by ClinVar (database versions not stated): 1000 Genomes Project 30x 0.00062; 1000 Genomes Project 0.00080; ExAC 0.00146; gnomAD exomes 0.00173; gnomAD 0.00179 and 0.00196; TOPMed 0.00213.
gnomAD v4.1: 4,972 of 1,550,376 alleles (0.32%); highest among the groups gnomAD compares: Non-Finnish European, 0.41%; 9 homozygotes.

Submissions (9):

Women's Health and Genetics/Laboratory Corporation of America, LabCorp
Classification: Likely benign. Last evaluated: 2026-04-08. Review status: criteria provided, single submitter. Criteria: LabCorp Variant Classification Summary - May 2015. Collection method: clinical testing. Allele origin: germline.
Comment: Variant summary: ZNF469 c.7553C>A (p.Pro2518His) results in a non-conservative amino acid change in the encoded protein sequence. Algorithms developed to predict the effect of missense changes on protein structure and function are either unavailable or do not agree on the potential impact of this missense change. The variant allele was found at a frequency of 0.0017 in 153122 control chromosomes, predominantly at a frequency of 0.0038 within the Non-Finnish European subpopulation in the gnomAD database. The observed variant frequency within Non-Finnish European control individuals in the gnomAD database exceeds the estimated maximal expected allele frequency for disease-causing variants in ZNF469. c.7553C>A has been observed in a setting of panel study on Keratoconus without clear evidence for causality (Lucas_2017). These report(s) do not provide unequivocal conclusions about association of the variant with Brittle cornea syndrome 1. To our knowledge, no experimental evidence demonstrating an impact on protein function has been reported. The following publication have been ascertained in the context of this evaluation (PMID: 29228253). ClinVar contains an entry for this variant (Variation ID: 320974). Based on the evidence outlined above, the variant was classified as likely benign.

CeGaT Center for Human Genetics Tuebingen
Classification: Likely benign. Last evaluated: 2026-04-01. Review status: criteria provided, single submitter. Criteria: CeGaT Center For Human Genetics Tuebingen Variant Classification Criteria Version 2. Collection method: clinical testing. Allele origin: germline. Affected: yes. Observed: 21 variant alleles.
Comment: ZNF469: BP4, BS1

Labcorp Genetics (formerly Invitae), Labcorp
Classification: Likely benign. Last evaluated: 2026-02-04. Review status: criteria provided, single submitter. Criteria: Invitae Variant Classification Sherloc (09022015). Collection method: clinical testing. Allele origin: germline.

Mayo Clinic Laboratories, Mayo Clinic
Classification: Benign. Last evaluated: 2023-04-25. Review status: criteria provided, single submitter. Criteria: ACMG Guidelines, 2015. Collection method: clinical testing. Allele origin: germline. Observed: 17 variant alleles.
Comment: BS1, BP4_strong

Genome Diagnostics Laboratory, The Hospital for Sick Children
Classification: Uncertain significance for Ehlers-Danlos syndrome. Last evaluated: 2022-07-11. Review status: criteria provided, single submitter. Criteria: ACMG Guidelines, 2015. Collection method: clinical testing. Allele origin: germline.

Department of Pathology and Laboratory Medicine, Sinai Health System
Classification: Uncertain significance for Brittle cornea syndrome 1. Last evaluated: 2022-04-07. Review status: criteria provided, single submitter. Criteria: ACMG Guidelines, 2015. Collection method: research. Allele origin: germline.

GeneDx
Classification: Likely benign. Last evaluated: 2020-07-30. Review status: criteria provided, single submitter. Criteria: GeneDx Variant Classification Process June 2021. Collection method: clinical testing. Allele origin: germline. Affected: yes.
Comment: This variant is associated with the following publications: (PMID: 29228253, 28622062)

Ambry Genetics
Classification: Benign for Cardiovascular phenotype. Last evaluated: 2019-09-06. Review status: criteria provided, single submitter. Criteria: Ambry Variant Classification Scheme 2023. Collection method: clinical testing. Allele origin: germline.

PreventionGenetics, part of Exact Sciences
Classification: Likely benign for ZNF469-related condition. Last evaluated: 2022-08-02. Review status: no assertion criteria provided. Collection method: clinical testing. Allele origin: germline. Not counted in ClinVar's aggregate classification.
Comment: This variant is classified as likely benign based on ACMG/AMP sequence variant interpretation guidelines (Richards et al. 2015 PMID: 25741868, with internal and published modifications).

Literature cited by the submitters: PubMed 29228253 (cited by Women's Health and Genetics/Laboratory Corporation of America, LabCorp).

NM_001367624.2(ZNF469):c.7553C>A (p.Pro2518His)

Gene: ZNF469 (zinc finger protein 469; plus strand). Cytogenetic location: 16q24.2.
Variant type: single nucleotide variant.
Coding change: c.7553C>A on transcript NM_001367624.2 (MANE Select); coding-DNA position 7553, C replaced by A.
Protein change: p.Pro2518His; replaces proline 2518 with histidine.
Molecular consequence: missense variant.
Genome position (GRCh38, 1-based): chr16:88,435,023, C>A. VCF-style: chr16-88435023-C-A. GRCh37 (hg19) VCF-style: chr16-88501431-C-A.
Other names: NM_001127464.1:c.7469C>A; NM_001127464.2:c.7469C>A; p.Pro2518His; short protein forms P2518H.
Identifiers: ClinVar variation 320974 (VCV000320974.63), dbSNP rs201943633, ClinGen allele CA8225262.